The following is an entry in ClinVar:

ClinVar aggregate classification (germline): Uncertain significance (1 of 4 stars; one submission).

Conditions:
Norman-Roberts syndrome (LIS2). Also called: Lissencephaly 2 (Norman-Roberts type). Identifiers: Orphanet 89844, MedGen C0796089, MONDO:0009760, OMIM 257320.
Familial temporal lobe epilepsy 7. Identifiers: Orphanet 101046, MedGen C4225327, MONDO:0014639, OMIM 616436.

Submission:

Labcorp Genetics (formerly Invitae), Labcorp
Classification: Uncertain significance for Familial temporal lobe epilepsy 7; Norman-Roberts syndrome. Last evaluated: 2023-10-13. Review status: criteria provided, single submitter. Criteria: Invitae Variant Classification Sherloc (09022015). Collection method: clinical testing. Allele origin: germline.
Comment: This sequence change replaces asparagine, which is neutral and polar, with serine, which is neutral and polar, at codon 3088 of the RELN protein (p.Asn3088Ser). This variant is not present in population databases (gnomAD no frequency). This variant has not been reported in the literature in individuals affected with RELN-related conditions. ClinVar contains an entry for this variant (Variation ID: 2125753). Advanced modeling of protein sequence and biophysical properties (such as structural, functional, and spatial information, amino acid conservation, physicochemical variation, residue mobility, and thermodynamic stability) performed at Invitae indicates that this missense variant is not expected to disrupt RELN protein function. In summary, the available evidence is currently insufficient to determine the role of this variant in disease. Therefore, it has been classified as a Variant of Uncertain Significance.

NM_005045.4(RELN):c.9263A>G (p.Asn3088Ser)

Genes: RELN (reelin; minus strand), SLC26A5-AS1 (SLC26A5 antisense RNA 1; plus strand). Cytogenetic location: 7q22.1.
Variant type: single nucleotide variant.
Coding change: c.9263A>G on transcript NM_005045.4 (MANE Select); coding-DNA position 9263, A replaced by G.
Protein change: p.Asn3088Ser; replaces asparagine 3088 with serine.
Molecular consequence: missense variant.
Genome position (GRCh38, 1-based): chr7:103,495,829, T>C on the plus strand (A>G on the coding strand, the complement: RELN is on the minus strand). VCF-style: chr7-103495829-T-C. GRCh37 (hg19) VCF-style: chr7-103136276-T-C.
Other names: c.9263A>G, p.Asn3088Ser (NM_173054.3); short protein forms N3088S.
Identifiers: ClinVar variation 2125753 (VCV002125753.4), dbSNP rs2485740035, ClinGen allele CA368749181.
Genomic context (GRCh38, chr7:103,495,829, plus strand): 5'-GAGAGAGCATTGTGAGTCTTGTCCTTCTTTTTATTTGGCCAATAGAGGTGAAAGGATGGA[T>C]TGCCACAAAATCCTGCTGTCCTTACAGCATTAGGGTAAAAACTCCAGTTTTCTTCATGGG-3'
Protein context (NP_005036.2, residues 3078-3098): NAVRTAGFCG[Asn3088Ser]PSFHLYWPNK